The following is an entry in ClinVar:

ClinVar aggregate classification (germline): Uncertain significance (1 of 4 stars; one submission).

Conditions:
Hereditary cancer-predisposing syndrome. Also called: Hereditary Cancer Syndrome; Hereditary neoplastic syndrome; Neoplastic Syndromes, Hereditary; Tumor predisposition. Identifiers: Orphanet 140162, MedGen C0027672, MeSH D009386, MONDO:0015356.

Submission:

Sema4
Classification: Uncertain significance for Hereditary cancer-predisposing syndrome. Last evaluated: 2021-05-18. Review status: criteria provided, single submitter. Criteria: Sema4 Curation Guidelines. Collection method: curation. Allele origin: germline.
Comment: The POLD1 c.319C>A (p.P107T) variant has not been reported in the literature to our knowledge. This variant has not been observed in the large and broad cohorts in the Genome Aggregation Database (PMID: 32461654). This variant has not been reported in ClinVar. In silico tools suggest the impact of the variant on protein function is benign, though these predictions have not been confirmed by functional studies. The overall evidence is insufficient to meet ACMG/AMP criteria for classifying it as benign or pathogenic. In summary, the clinical significance of this variant is currently uncertain.

NM_002691.4(POLD1):c.319C>A (p.Pro107Thr)

Gene: POLD1 (DNA polymerase delta 1, catalytic subunit; plus strand). Cytogenetic location: 19q13.33.
Variant type: single nucleotide variant.
Coding change: c.319C>A on transcript NM_002691.4 (MANE Select); coding-DNA position 319, C replaced by A.
Protein change: p.Pro107Thr; replaces proline 107 with threonine.
Molecular consequence: missense variant. On other transcripts: non-coding transcript variant (1).
Genome position (GRCh38, 1-based): chr19:50,401,780, C>A. VCF-style: chr19-50401780-C-A. GRCh37 (hg19) VCF-style: chr19-50905037-C-A.
Other names: c.319C>A, p.Pro107Thr (NM_001256849.1, NM_001308632.1); short protein forms P107T.
Identifiers: ClinVar variation 1692706 (VCV001692706.1), dbSNP rs2038641578, ClinGen allele CA406972041.